The following is an entry in ClinVar:

ClinVar aggregate classification (germline): Pathogenic/Likely pathogenic. Review status: criteria provided, multiple submitters, no conflicts (2 of 4 stars). 7 submissions from 7 submitters: Pathogenic (5); Likely pathogenic (2). Last evaluated 2025-09-29.

Conditions:
Hereditary cancer-predisposing syndrome. Also called: Hereditary Cancer Syndrome; Neoplastic Syndromes, Hereditary; Tumor predisposition; Hereditary neoplastic syndrome. Identifiers: Orphanet 140162, MedGen C0027672, MeSH D009386, MONDO:0015356.
Hereditary breast ovarian cancer syndrome. Also called: Breast and ovarian cancer; Hereditary breast and ovarian cancer syndrome; Hereditary breast and ovarian cancer; Hereditary breast and ovarian cancer syndrome (HBOC); Hereditary breast and/or ovarian cancer syndrome; BRCA1- and BRCA2-Associated Hereditary Breast and Ovarian Cancer. Identifiers: Orphanet 145, MedGen C0677776, MeSH D061325, MONDO:0003582. Disease mechanism: loss of function.
CHEK2-related cancer predisposition (TPDS4). Also called: TUMOR PREDISPOSITION SYNDROME 4; CANCER PREDISPOSITION SYNDROME, CHEK2-RELATED; CHEK2-related cancer susceptibility. Identifiers: Orphanet 524, MedGen C5882668, MONDO:0700271, OMIM 609265.
Familial cancer of breast. Also called: BREAST CANCER, FAMILIAL; Hereditary breast cancer; hereditary breast carcinoma. Identifiers: Orphanet 227535, MedGen C0346153, MONDO:0016419, OMIM 114480. Disease mechanism: loss of function.

Submissions (7):

Women's Health and Genetics/Laboratory Corporation of America, LabCorp
Classification: Pathogenic for Hereditary breast ovarian cancer syndrome. Last evaluated: 2025-09-29. Review status: criteria provided, single submitter. Criteria: LabCorp Variant Classification Summary - May 2015. Collection method: clinical testing. Allele origin: germline.
Comment: Variant summary: CHEK2 c.1209_1233del25 (p.Tyr404ValfsX2) results in a premature termination codon, predicted to cause absence of the protein due to nonsense mediated decay, which is a commonly known mechanism for disease. The variant was absent in 250178 control chromosomes. c.1209_1233del25 has been observed in at-least one individual affected with Hereditary Breast Cancer (example, Infante_2024). To our knowledge, no experimental evidence demonstrating an impact on protein function has been reported. The following publication has been ascertained in the context of this evaluation (PMID: 38061684). ClinVar contains an entry for this variant (Variation ID: 491592). Based on the evidence outlined above, the variant was classified as pathogenic.

Labcorp Genetics (formerly Invitae), Labcorp
Classification: Pathogenic for Familial cancer of breast. Last evaluated: 2025-04-30. Review status: criteria provided, single submitter. Criteria: Invitae Variant Classification Sherloc (09022015). Collection method: clinical testing. Allele origin: germline.
Comment: This sequence change creates a premature translational stop signal (p.Tyr404Valfs*2) in the CHEK2 gene. It is expected to result in an absent or disrupted protein product. Loss-of-function variants in CHEK2 are known to be pathogenic (PMID: 21876083, 24713400). This variant is not present in population databases (gnomAD no frequency). This variant has not been reported in the literature in individuals affected with CHEK2-related conditions. ClinVar contains an entry for this variant (Variation ID: 491592). For these reasons, this variant has been classified as Pathogenic.

Myriad Genetics, Inc.
Classification: Pathogenic for Familial cancer of breast. Last evaluated: 2023-06-28. Review status: criteria provided, single submitter. Criteria: Myriad Autosomal Dominant, Autosomal Recessive and X-Linked Classification Criteria (2023). Collection method: clinical testing. Allele origin: unknown.
Comment: This variant is considered pathogenic. This variant creates a frameshift predicted to result in premature protein truncation.

Ambry Genetics
Classification: Pathogenic for Hereditary cancer-predisposing syndrome. Last evaluated: 2023-06-01. Review status: criteria provided, single submitter. Criteria: Ambry Variant Classification Scheme 2023. Collection method: clinical testing. Allele origin: germline.
Comment: The c.1209_1233del25 pathogenic mutation, located in coding exon 10 of the CHEK2 gene, results from a deletion of 25 nucleotides at nucleotide positions 1209 to 1233, causing a translational frameshift with a predicted alternate stop codon (p.Y404Vfs*2). This variant is considered to be rare based on population cohorts in the Genome Aggregation Database (gnomAD). This alteration is expected to result in loss of function by premature protein truncation or nonsense-mediated mRNA decay. As such, this alteration is interpreted as a disease-causing mutation.

Color Diagnostics, LLC DBA Color Health
Classification: Pathogenic for Hereditary cancer-predisposing syndrome. Last evaluated: 2023-03-06. Review status: criteria provided, single submitter. Criteria: ACMG Guidelines, 2015. Collection method: clinical testing. Allele origin: germline.
Comment: This variant deletes 25 nucleotides in exon 11 of the CHEK2 gene, creating a frameshift and premature translation stop signal. This variant is expected to result in an absent or non-functional protein product. This variant has been reported in an individual affected with breast cancer in the literature (PMID: 34072659). This variant has not been identified in the general population by the Genome Aggregation Database (gnomAD). Loss of CHEK2 function is a known mechanism of disease. Based on the available evidence, this variant is classified as Pathogenic.

Baylor Genetics
Classification: Likely pathogenic for Familial cancer of breast. Last evaluated: 2021-04-02. Review status: criteria provided, single submitter. Criteria: ACMG Guidelines, 2015. Collection method: clinical testing. Allele origin: unknown.

Genesis Genomics
Classification: Likely pathogenic for CHEK2-related cancer predisposition. Review status: criteria provided, single submitter. Criteria: ACMG Guidelines, 2015. Collection method: clinical testing. Allele origin: germline. Affected: yes. Observed: 1 variant allele.

Literature cited by the submitters: PubMed 36717774 (cited by Women's Health and Genetics/Laboratory Corporation of America, LabCorp); PubMed 38061684 (cited by Women's Health and Genetics/Laboratory Corporation of America, LabCorp); PubMed 21876083 (cited by Labcorp Genetics (formerly Invitae), Labcorp); PubMed 24713400 (cited by Labcorp Genetics (formerly Invitae), Labcorp); PubMed 34072659 (cited by Color Diagnostics, LLC DBA Color Health).

NM_007194.4(CHEK2):c.1209_1233del (p.Tyr404fs)

Gene: CHEK2 (checkpoint kinase 2; minus strand). Cytogenetic location: 22q12.1.
Variant type: Deletion.
Coding change: c.1209_1233del on transcript NM_007194.4 (MANE Select); coding-DNA positions 1209 to 1233, 25 bases deleted (GTATAACCGTGCTGTGGACTGCTGG).
Protein change: p.Tyr404fs; shifts the reading frame from tyrosine 404.
Molecular consequence: frameshift variant.
Genome position (GRCh38, 1-based): chr22:28,695,736-28,695,760, CCAGCAGTCCACAGCACGGTTATAC deleted on the plus strand (GTATAACCGTGCTGTGGACTGCTGG on the coding strand, the reverse complement: CHEK2 is on the minus strand); deleting any 25 consecutive bases within chr22:28,695,736-28,695,770 gives the same sequence; the c. name uses the placement nearest the transcript's 3' end. VCF-style (leftmost placement, unchanged base first): chr22-28695735-TCCAGCAGTCCACAGCACGGTTATAC-T. GRCh37 (hg19) VCF-style: chr22-29091723-TCCAGCAGTCCACAGCACGGTTATAC-T.
Other names: c.1209_1233delGTATAACCGTGCTGTGGACTGCTGG (NM_007194.3); c.1328_1352del25, p.Tyr447Valfs (NM_001005735.3); c.536_560del25, p.Tyr183Valfs (NM_001257387.3); c.998_1022del25, p.Tyr337Valfs (NM_001349956.3); c.1112_1136del25, p.Tyr375Valfs (NM_145862.3); c.1209_1233del25 (NM_007194.4); short protein forms Y183fs, Y375fs, Y337fs, Y404fs, Y447fs.
Identifiers: ClinVar variation 491592 (VCV000491592.16), dbSNP rs1555913672, ClinGen allele CA658684243.